The following is an entry in ClinVar:

NM_001401501.2(MUC16):c.12498T>A (p.Thr4166=)

Gene: MUC16 (mucin 16, cell surface associated; minus strand). Cytogenetic location: 19p13.2.
Variant type: single nucleotide variant.
Coding change: c.12498T>A on transcript NM_001401501.2 (MANE Select); coding-DNA position 12498, T replaced by A.
Protein change: p.Thr4166=; no amino-acid change (threonine 4166 retained).
Molecular consequence: synonymous variant.
Genome position (GRCh38, 1-based): chr19:8,964,392, A>T on the plus strand (T>A on the coding strand, the complement: MUC16 is on the minus strand). VCF-style: chr19-8964392-A-T. GRCh37 (hg19) VCF-style: chr19-9075068-A-T.
Other names: c.12924T>A, p.Thr4308= (NM_001414686.1); c.12378T>A, p.Thr4126= (NM_001414687.1, NM_024690.2).
Identifiers: ClinVar variation 2649258 (VCV002649258.26), dbSNP rs372653134, ClinGen allele CA9171047.

ClinVar aggregate classification (germline): Likely benign. Review status: criteria provided, multiple submitters, no conflicts (2 of 4 stars). 3 submissions from 3 submitters: Likely benign (2). 1 of the submissions does not count toward it. Last evaluated 2022-04-01.

Conditions:
MUC16-related disorder. Also called: MUC16-related condition.

Allele frequency attached by ClinVar (database versions not stated): gnomAD 0.00001; TOPMed 0.00003; ExAC 0.00007; ESP Exome Variant Server 0.00008.

Submissions (3):

CeGaT Center for Human Genetics Tuebingen
Classification: Likely benign. Last evaluated: 2022-04-01. Review status: criteria provided, single submitter. Criteria: CeGaT Center For Human Genetics Tuebingen Variant Classification Criteria Version 2. Collection method: clinical testing. Allele origin: germline. Affected: yes. Observed: 1 variant allele.
Comment: MUC16: BP4, BP7

Breakthrough Genomics
Classification: Likely benign. Review status: criteria provided, single submitter. Criteria: ACMG Guidelines, 2015. Collection method: not provided. Allele origin: germline. Inheritance: Unknown mechanism. Affected: yes.

PreventionGenetics, part of Exact Sciences
Classification: Likely benign for MUC16-related condition. Last evaluated: 2019-03-04. Review status: no assertion criteria provided. Collection method: clinical testing. Allele origin: germline. Not counted in ClinVar's aggregate classification.
Comment: This variant is classified as likely benign based on ACMG/AMP sequence variant interpretation guidelines (Richards et al. 2015 PMID: 25741868, with internal and published modifications).